The following is an entry in ClinVar:

ClinVar aggregate classification (germline): Uncertain significance (1 of 4 stars; one submission).

Submission:

GeneDx
Classification: Uncertain significance. Last evaluated: 2021-06-17. Review status: criteria provided, single submitter. Criteria: GeneDx Variant Classification Process June 2021. Collection method: clinical testing. Allele origin: germline. Affected: yes.
Comment: Not observed at significant frequency in large population cohorts (Lek et al., 2016); Has not been previously published as pathogenic or benign to our knowledge; This variant is associated with the following publications: (PMID: 27535533)

NM_001267550.2(TTN):c.44267A>C (p.His14756Pro)

Gene: TTN (titin; minus strand). Cytogenetic location: 2q31.2.
Variant type: single nucleotide variant.
Coding change: c.44267A>C on transcript NM_001267550.2 (MANE Select); coding-DNA position 44267, A replaced by C.
Protein change: p.His14756Pro; replaces histidine 14756 with proline.
Molecular consequence: missense variant.
Genome position (GRCh38, 1-based): chr2:178,630,255, T>G on the plus strand (A>C on the coding strand, the complement: TTN is on the minus strand). VCF-style: chr2-178630255-T-G. GRCh37 (hg19) VCF-style: chr2-179494982-T-G.
Other names: c.39344A>C, p.His13115Pro (NM_001256850.1); c.17072A>C, p.His5691Pro (NM_003319.4); c.36563A>C, p.His12188Pro (NM_133378.4); c.17447A>C, p.His5816Pro (NM_133432.3); c.17648A>C, p.His5883Pro (NM_133437.4); short protein forms H12188P, H13115P, H14756P, H5691P, H5816P, H5883P.
Identifiers: ClinVar variation 1328881 (VCV001328881.2), dbSNP rs2154219895, ClinGen allele CA349645187.
Genomic context (GRCh38, chr2:178,630,255, plus strand): 5'-TGAAAAAGTGTTTATTTAATTTCCCTGAAAAATATACAATACTTACGCTTAACTCGGAGG[T>G]GGGCACTAGATTTAACATTGGCAGCTTGGAAATCCACCCCACCCGTCTGGTCCAGGCGAC-3'
Protein context (NP_001254479.2, residues 14746-14766): FQAANVKSSA[His14756Pro]LRVKPRVIGL